The following is an entry in ClinVar:

NM_001378454.1(ALMS1):c.5838G>T (p.Lys1946Asn)

Gene: ALMS1 (ALMS1 centrosome and basal body associated protein; plus strand). Cytogenetic location: 2p13.1.
Variant type: single nucleotide variant.
Coding change: c.5838G>T on transcript NM_001378454.1 (MANE Select); coding-DNA position 5838, G replaced by T.
Protein change: p.Lys1946Asn; replaces lysine 1946 with asparagine.
Molecular consequence: missense variant.
Genome position (GRCh38, 1-based): chr2:73,452,365, G>T. VCF-style: chr2-73452365-G-T. GRCh37 (hg19) VCF-style: chr2-73679492-G-T.
Other names: c.5841G>T, p.Lys1947Asn (NM_015120.4); short protein forms K1946N, K1947N.
Identifiers: ClinVar variation 3903188 (VCV003903188.1).

ClinVar aggregate classification (germline): Uncertain significance (1 of 4 stars; one submission).

Submission:

GeneDx
Classification: Uncertain significance. Last evaluated: 2024-12-10. Review status: criteria provided, single submitter. Criteria: GeneDx Variant Classification Process June 2021. Collection method: clinical testing. Allele origin: germline. Affected: yes.
Comment: Not observed at significant frequency in large population cohorts (gnomAD); In silico analysis supports that this missense variant has a deleterious effect on protein structure/function; Has not been previously published as pathogenic or benign to our knowledge